The following is an entry in ClinVar:

ClinVar aggregate classification (germline): Uncertain significance (1 of 4 stars; one submission).

Conditions:
Hereditary hemochromatosis (HFE). Identifiers: MedGen C0392514, MONDO:0006507. Disease mechanism: loss of function.

Submission:

Labcorp Genetics (formerly Invitae), Labcorp
Classification: Uncertain significance for Hereditary hemochromatosis. Last evaluated: 2024-10-30. Review status: criteria provided, single submitter. Criteria: Invitae Variant Classification Sherloc (09022015). Collection method: clinical testing. Allele origin: germline.
Comment: This variant, c.2321_2323del, results in the deletion of 1 amino acid(s) of the TFR2 protein (p.Arg774del), but otherwise preserves the integrity of the reading frame. This variant is not present in population databases (gnomAD no frequency). This variant has not been reported in the literature in individuals affected with TFR2-related conditions. Experimental studies and prediction algorithms are not available or were not evaluated, and the functional significance of this variant is currently unknown. In summary, the available evidence is currently insufficient to determine the role of this variant in disease. Therefore, it has been classified as a Variant of Uncertain Significance.

NM_003227.4(TFR2):c.2321_2323del (p.Arg774del)

Gene: TFR2 (transferrin receptor 2; minus strand). Cytogenetic location: 7q22.1.
Variant type: Deletion.
Coding change: c.2321_2323del on transcript NM_003227.4 (MANE Select); coding-DNA positions 2321 to 2323, 3 bases deleted (GTC; older notation c.2321_2323delGTC).
Protein change: p.Arg774del; deletes arginine 774.
Genome position (GRCh38, 1-based): chr7:100,620,940-100,620,942, GAC deleted on the plus strand (GTC on the coding strand, the reverse complement: TFR2 is on the minus strand); deleting any 3 consecutive bases within chr7:100,620,940-100,620,943 gives the same sequence; the c. name uses the placement nearest the transcript's 3' end. VCF-style (leftmost placement, unchanged base first): chr7-100620939-TGAC-T. GRCh37 (hg19) VCF-style: chr7-100218562-TGAC-T.
Other names: c.1808_1810del, p.Arg603del (NM_001206855.3); short protein forms R603del, R774del.
Identifiers: ClinVar variation 3685704 (VCV003685704.2).